The following is an entry in ClinVar:

ClinVar aggregate classification (germline): Uncertain significance. Review status: criteria provided, multiple submitters, no conflicts (2 of 4 stars). 2 submissions from 2 submitters: Uncertain significance (2). Last evaluated 2021-07-29.

Submissions (2):

Blueprint Genetics
Classification: Uncertain significance. Last evaluated: 2021-07-29. Review status: criteria provided, single submitter. Criteria: ACMG Guidelines, 2015. Collection method: clinical testing. Allele origin: germline.

GeneDx
Classification: Uncertain significance. Last evaluated: 2020-02-26. Review status: criteria provided, single submitter. Criteria: GeneDx Variant Classification Process June 2021. Collection method: clinical testing. Allele origin: germline. Affected: yes.
Comment: Not observed in large population cohorts (Lek et al., 2016); In silico analysis supports that this missense variant has a deleterious effect on protein structure/function; Has not been previously published as pathogenic or benign to our knowledge

NM_001242957.3(MAK):c.689T>C (p.Leu230Pro)

Gene: MAK (male germ cell associated kinase; minus strand). Cytogenetic location: 6p24.2.
Variant type: single nucleotide variant.
Coding change: c.689T>C on transcript NM_001242957.3 (MANE Select); coding-DNA position 689, T replaced by C.
Protein change: p.Leu230Pro; replaces leucine 230 with proline.
Molecular consequence: missense variant. On other transcripts: non-coding transcript variant (2).
Genome position (GRCh38, 1-based): chr6:10,802,034, A>G on the plus strand (T>C on the coding strand, the complement: MAK is on the minus strand). VCF-style: chr6-10802034-A-G. GRCh37 (hg19) VCF-style: chr6-10802267-A-G.
Other names: c.689T>C, p.Leu230Pro (NM_001242385.2, NM_005906.6); c.587T>C, p.Leu196Pro (NM_001377262.1); short protein forms L196P, L230P.
Identifiers: ClinVar variation 1315049 (VCV001315049.3), dbSNP rs771061280, ClinGen allele CA362720272.